The following is an entry in ClinVar:

NM_203407.3(EZHIP):c.865G>A (p.Ala289Thr)

Gene: EZHIP (EZH inhibitory protein; plus strand). Cytogenetic location: Xp11.22.
Variant type: single nucleotide variant.
Coding change: c.865G>A on transcript NM_203407.3 (MANE Select); coding-DNA position 865, G replaced by A.
Protein change: p.Ala289Thr; replaces alanine 289 with threonine.
Molecular consequence: missense variant.
Genome position (GRCh38, 1-based): chrX:51,407,881, G>A. VCF-style: chrX-51407881-G-A. GRCh37 (hg19) VCF-style: chrX-51150733-G-A.
Other names: short protein forms A289T.
Identifiers: ClinVar variation 2660567 (VCV002660567.24), dbSNP rs781890238, ClinGen allele CA10416971.

ClinVar aggregate classification (germline): Likely benign (1 of 4 stars; one submission).

Allele frequency attached by ClinVar (database versions not stated): gnomAD 0.00012; gnomAD exomes 0.00014; ExAC 0.00017.

Submission:

CeGaT Center for Human Genetics Tuebingen
Classification: Likely benign. Last evaluated: 2023-03-01. Review status: criteria provided, single submitter. Criteria: CeGaT Center For Human Genetics Tuebingen Variant Classification Criteria Version 2. Collection method: clinical testing. Allele origin: germline. Affected: yes. Observed: 1 variant allele.
Comment: EZHIP: BP4, BS2